The following is an entry in ClinVar:

ClinVar aggregate classification (germline): Likely benign. Review status: criteria provided, multiple submitters, no conflicts (2 of 4 stars). 3 submissions from 3 submitters: Likely benign (3). Last evaluated 2026-09-01.

Conditions:
Hereditary cancer-predisposing syndrome. Also called: Neoplastic Syndromes, Hereditary; Tumor predisposition; Hereditary Cancer Syndrome; Hereditary neoplastic syndrome. Identifiers: Orphanet 140162, MedGen C0027672, MeSH D009386, MONDO:0015356.

Allele frequency attached by ClinVar (database versions not stated): TOPMed 0.00063; gnomAD 0.00069; gnomAD exomes 0.00218; 1000 Genomes Project 0.00240; 1000 Genomes Project 30x 0.00297; ExAC 0.01282.
gnomAD v4.1: 608 of 384,064 alleles (0.16%); highest among the groups gnomAD compares: Middle Eastern, 1.7%; 5 homozygotes.

Submissions (3):

CeGaT Center for Human Genetics Tuebingen
Classification: Likely benign. Last evaluated: 2026-09-01. Review status: criteria provided, single submitter. Criteria: CeGaT Center For Human Genetics Tuebingen Variant Classification Criteria Version 2. Collection method: clinical testing. Allele origin: germline. Affected: yes. Observed: 17 variant alleles.
Comment: RAD51: BP4, BS2

Molecular Diagnostics Laboratory, Catalan Institute of Oncology
Classification: Likely benign for Hereditary cancer-predisposing syndrome. Last evaluated: 2025-05-19. Review status: criteria provided, single submitter. Criteria: ACMG Guidelines, 2015. Collection method: clinical testing. Allele origin: germline.
Comment: BS1, BP4 c.225+668C>T (intronic variant in MANE Select NM_002875.5) or c.289C>T (NM_001164269.2), located in exon 4 of the RAD51 is predicted to result in the substitution of arginine by cysteine at codon 97, p.(Arg97Cys)(NM_001164269.2). This variant is found in 141/17132 (2 homozygous), with a filter allele frequency of 0.67% at 99% confidence in the gnomAD v2.1.1 database (South Asian non-cancer data set)(BS1).The SpliceAI algorithm predicts no significant impact on splicing and the REVEL meta-predictor score (0.141) for this variant predicts no significant impact on protein function according to Pejaver 2022 thresholds (PMID: 36413997)(BP4). To our knowledge, neither clinical data nor functional studies have been reported for this variant. Based on currently available information, the variant c.225+668C>T (MANE Select NM_002875.5) or c.289C>T (NM_001164269.2) is classified as a likely benign variant according to ACMG guidelines.

Blueprint Genetics
Classification: Likely benign. Last evaluated: 2022-07-11. Review status: criteria provided, single submitter. Criteria: ACMG Guidelines, 2015. Collection method: clinical testing. Allele origin: germline.

NM_002875.5(RAD51):c.225+668C>T

Gene: RAD51 (RAD51 recombinase; plus strand). Cytogenetic location: 15q15.1.
Variant type: single nucleotide variant.
Coding change: c.225+668C>T on transcript NM_002875.5 (MANE Select); 668 bases into the intron after coding-DNA position 225, C replaced by T.
Molecular consequence: intron variant. On other transcripts: missense variant (2).
Genome position (GRCh38, 1-based): chr15:40,701,869, C>T. VCF-style: chr15-40701869-C-T. GRCh37 (hg19) VCF-style: chr15-40994067-C-T.
Other names: c.289C>T, p.Arg97Cys (NM_001164269.2, NM_133487.4); c.225+668C>T (NM_001164270.2); short protein forms R97C.
Identifiers: ClinVar variation 2645183 (VCV002645183.25), dbSNP rs187196981, ClinGen allele CA7483946.